The following is an entry in ClinVar:

ClinVar aggregate classification (germline): Benign/Likely benign. Review status: criteria provided, multiple submitters, no conflicts (2 of 4 stars). 4 submissions from 4 submitters: Benign (1); Likely benign (3). Last evaluated 2024-09-04.

Conditions:
Familial cancer of breast. Also called: BREAST CANCER, FAMILIAL; Hereditary breast cancer; hereditary breast carcinoma. Identifiers: Orphanet 227535, MedGen C0346153, MONDO:0016419, OMIM 114480. Disease mechanism: loss of function.
Fanconi anemia complementation group J. Also called: BRIP1-Related Fanconi Anemia. Identifiers: Orphanet 84, MedGen C1836860, MONDO:0012187, OMIM 609054.
Hereditary cancer-predisposing syndrome. Also called: Hereditary Cancer Syndrome; Neoplastic Syndromes, Hereditary; Tumor predisposition; Hereditary neoplastic syndrome. Identifiers: Orphanet 140162, MedGen C0027672, MeSH D009386, MONDO:0015356.

Submissions (4):

Myriad Genetics, Inc.
Classification: Benign for Familial cancer of breast. Last evaluated: 2024-09-04. Review status: criteria provided, single submitter. Criteria: Myriad Autosomal Dominant, Autosomal Recessive and X-Linked Classification Criteria (2023). Collection method: clinical testing. Allele origin: unknown.
Comment: This variant is considered benign. This variant is a silent/synonymous amino acid change and it is not expected to impact splicing.

Labcorp Genetics (formerly Invitae), Labcorp
Classification: Likely benign for Familial cancer of breast; Fanconi anemia complementation group J. Last evaluated: 2024-05-12. Review status: criteria provided, single submitter. Criteria: Invitae Variant Classification Sherloc (09022015). Collection method: clinical testing. Allele origin: germline.

GeneDx
Classification: Likely benign. Last evaluated: 2015-12-20. Review status: criteria provided, single submitter. Criteria: GeneDx Variant Classification (06012015). Collection method: clinical testing. Allele origin: germline. Affected: yes.
Comment: This variant is considered likely benign or benign based on one or more of the following criteria: it is a conservative change, it occurs at a poorly conserved position in the protein, it is predicted to be benign by multiple in silico algorithms, and/or has population frequency not consistent with disease.

Ambry Genetics
Classification: Likely benign for Hereditary cancer-predisposing syndrome. Last evaluated: 2014-12-11. Review status: criteria provided, single submitter. Criteria: Ambry Variant Classification Scheme 2023. Collection method: clinical testing. Allele origin: germline.

NM_032043.3(BRIP1):c.2328C>T (p.Ala776=)

Gene: BRIP1 (BRCA1 interacting DNA helicase 1; minus strand). Cytogenetic location: 17q23.2.
Variant type: single nucleotide variant.
Coding change: c.2328C>T on transcript NM_032043.3 (MANE Select); coding-DNA position 2328, C replaced by T.
Protein change: p.Ala776=; no amino-acid change (alanine 776 retained).
Molecular consequence: synonymous variant.
Genome position (GRCh38, 1-based): chr17:61,743,064, G>A on the plus strand (C>T on the coding strand, the complement: BRIP1 is on the minus strand). VCF-style: chr17-61743064-G-A. GRCh37 (hg19) VCF-style: chr17-59820425-G-A.
Identifiers: ClinVar variation 187426 (VCV000187426.16), dbSNP rs786203725, ClinGen allele CA197621.